The following is an entry in ClinVar:

ClinVar aggregate classification (germline): VUS-high (1 of 4 stars; one submission).

Conditions:
Timothy syndrome (TS). Also called: LONG QT SYNDROME WITH SYNDACTYLY. Identifiers: Orphanet 65283, MedGen C1832916, MeSH C536962, MONDO:0010979, OMIM 601005.

Submission:

Center for Human Genetics and Genomic Medicine, Uniklinik Rwth Aachen
Classification: VUS-high for Timothy syndrome. Last evaluated: 2025-12-17. Review status: criteria provided, single submitter. Criteria: ACMG Guidelines, 2015. Collection method: clinical testing. Allele origin: maternal. Inheritance: Autosomal dominant inheritance. Affected: yes. Observed: 1 variant allele, 1 heterozygote.
Comment: To date, this variant has not been reported in the literature or in the ClinVar database. In the general population (gnomAD v4.1.0), it has not yet been detected (PM2_sup). Bioinformatics prediction tools (REVEL (v2021-05-03), CADD (v1.6); accessed via Alamut Visual Plus v.1.13 on September 2, 2025) classify the variant as likely pathogenic (PP3_mod). In the CACNA1C gene, missense variants are known to be pathogenetically relevant (GeneReviews, updated 2018) (PP2). The patient’s phenotype is specific to a monogenic cardiac arrhythmia (PP4).

NM_001167623.2(CACNA1C):c.3893T>C (p.Val1298Ala)

Gene: CACNA1C (calcium voltage-gated channel subunit alpha1 C; plus strand). Cytogenetic location: 12p13.33.
Variant type: single nucleotide variant.
Coding change: c.3893T>C on transcript NM_001167623.2 (MANE Plus Clinical); coding-DNA position 3893, T replaced by C.
Protein change: p.Val1298Ala; replaces valine 1298 with alanine.
Molecular consequence: missense variant. On other transcripts: intron variant (13).
Genome position (GRCh38, 1-based): chr12:2,633,693, T>C. VCF-style: chr12-2633693-T-C. GRCh37 (hg19) VCF-style: chr12-2742859-T-C.
Other names: c.3953T>C, p.Val1318Ala (NM_001129827.2, NM_199460.4); c.3893T>C, p.Val1298Ala (NM_001129831.2, NM_001129833.2, NM_001129836.2 and 3 more transcripts); c.3884T>C, p.Val1295Ala (NM_001129844.2); c.3829-604T>C (NM_001167625.2, NM_001129840.2, NM_001129829.2 and 9 more transcripts); c.3889-604T>C (NM_001129832.2); short protein forms V1295A, V1298A, V1318A.
Identifiers: ClinVar variation 4857019 (VCV004857019.1).